The following is an entry in ClinVar:

NM_014141.6(CNTNAP2):c.2256-271A>C

Gene: CNTNAP2 (contactin associated protein 2; plus strand). Cytogenetic location: 7q35.
Variant type: single nucleotide variant.
Coding change: c.2256-271A>C on transcript NM_014141.6 (MANE Select); 271 bases into the intron before coding-DNA position 2256, A replaced by C.
Molecular consequence: intron variant.
Genome position (GRCh38, 1-based): chr7:147,977,591, A>C. VCF-style: chr7-147977591-A-C. GRCh37 (hg19) VCF-style: chr7-147674683-A-C.
Identifiers: ClinVar variation 669573 (VCV000669573.1), dbSNP rs73747305, ClinGen allele CA12606721.

ClinVar aggregate classification (germline): Benign (1 of 4 stars; one submission).

Allele frequency attached by ClinVar (database versions not stated): gnomAD 0.01788 and 0.01908; TOPMed 0.01964; 1000 Genomes Project 0.01997; 1000 Genomes Project 30x 0.02108.
gnomAD v4.1: 2,699 of 152,264 alleles (1.8%); highest among the groups gnomAD compares: African/African-American, 6.2%; 90 homozygotes.

Submission:

GeneDx
Classification: Benign. Last evaluated: 2018-06-19. Review status: criteria provided, single submitter. Criteria: GeneDx Variant Classification (06012015). Collection method: clinical testing. Allele origin: germline. Affected: yes.
Comment: This variant is considered likely benign or benign based on one or more of the following criteria: it is a conservative change, it occurs at a poorly conserved position in the protein, it is predicted to be benign by multiple in silico algorithms, and/or has population frequency not consistent with disease.